The following is an entry in ClinVar:

ClinVar aggregate classification (germline): Likely benign. Review status: criteria provided, single submitter (1 of 4 stars). 2 submissions from 2 submitters: Likely benign (1). 1 of the submissions does not count toward it. Last evaluated 2024-09-10.

Conditions:
GABRD-related disorder. Also called: GABRD-related condition.
Idiopathic generalized epilepsy. Also called: EIG; Generalised epilepsy. Identifiers: MedGen C0270850, MONDO:0005579, OMIM 600669.

Allele frequency attached by ClinVar (database versions not stated): TOPMed 0.00005; ESP Exome Variant Server 0.00008.
gnomAD v4.1: 55 of 1,609,374 alleles (0.0034%); highest among the groups gnomAD compares: East Asian, 0.016%; no homozygotes.

Submissions (2):

Labcorp Genetics (formerly Invitae), Labcorp
Classification: Likely benign for Idiopathic generalized epilepsy. Last evaluated: 2024-09-10. Review status: criteria provided, single submitter. Criteria: Invitae Variant Classification Sherloc (09022015). Collection method: clinical testing. Allele origin: germline.

PreventionGenetics, part of Exact Sciences
Classification: Likely benign for GABRD-related condition. Last evaluated: 2019-05-09. Review status: no assertion criteria provided. Collection method: clinical testing. Allele origin: germline. Not counted in ClinVar's aggregate classification.
Comment: This variant is classified as likely benign based on ACMG/AMP sequence variant interpretation guidelines (Richards et al. 2015 PMID: 25741868, with internal and published modifications).

NM_000815.5(GABRD):c.1146C>T (p.Arg382=)

Gene: GABRD (gamma-aminobutyric acid type A receptor subunit delta; plus strand). Cytogenetic location: 1p36.33.
Variant type: single nucleotide variant.
Coding change: c.1146C>T on transcript NM_000815.5 (MANE Select); coding-DNA position 1146, C replaced by T.
Protein change: p.Arg382=; no amino-acid change (arginine 382 retained).
Molecular consequence: synonymous variant.
Genome position (GRCh38, 1-based): chr1:2,030,069, C>T. VCF-style: chr1-2030069-C-T. GRCh37 (hg19) VCF-style: chr1-1961508-C-T.
Identifiers: ClinVar variation 716562 (VCV000716562.12), dbSNP rs374718450, ClinGen allele CA534928.